The following is an entry in ClinVar:

NM_032790.4(ORAI1):c.131C>T (p.Pro44Leu)

Genes: ORAI1 (ORAI calcium release-activated calcium modulator 1; plus strand), LOC130008987 (ATAC-STARR-seq lymphoblastoid silent region 4981; plus strand). Cytogenetic location: 12q24.31.
Variant type: single nucleotide variant.
Coding change: c.131C>T on transcript NM_032790.4 (MANE Select); coding-DNA position 131, C replaced by T.
Protein change: p.Pro44Leu; replaces proline 44 with leucine.
Molecular consequence: missense variant. On other transcripts: non-coding transcript variant (1).
Genome position (GRCh38, 1-based): chr12:121,626,878, C>T. VCF-style: chr12-121626878-C-T. GRCh37 (hg19) VCF-style: chr12-122064784-C-T.
Other names: short protein forms P44L.
Identifiers: ClinVar variation 2936404 (VCV002936404.3), dbSNP rs1892790337, ClinGen allele CA386980805.
Genomic context (GRCh38, chr12:121,626,878, plus strand): 5'-GGCAGCCGCCGGAGCCGCCGCCGCAGCGGGGACGGGGAGCCCCCGGGGGCCCCGCCCCGC[C>T]ACCGCCGCCGTCCGCCGTCACCTACCCGGACTGGATCGGCCAGAGTTACTCCGAGGTGAT-3'
Protein context (NP_116179.2, residues 34-54): SGDGEPPGAP[Pro44Leu]PPPSAVTYPD

ClinVar aggregate classification (germline): Uncertain significance (1 of 4 stars; one submission).

Conditions:
Myopathy, tubular aggregate, 2 (TAM2). Identifiers: MedGen C4014557, MONDO:0014383, OMIM 615883.
Combined immunodeficiency due to ORAI1 deficiency. Also called: IMMUNODEFICIENCY 9. Identifiers: Orphanet 169090, Orphanet 317428, MedGen C2748568, MONDO:0013007, OMIM 612782.

Submission:

Labcorp Genetics (formerly Invitae), Labcorp
Classification: Uncertain significance for Myopathy, tubular aggregate, 2; Combined immunodeficiency due to ORAI1 deficiency. Last evaluated: 2023-09-09. Review status: criteria provided, single submitter. Criteria: Invitae Variant Classification Sherloc (09022015). Collection method: clinical testing. Allele origin: germline.
Comment: This variant has not been reported in the literature in individuals affected with ORAI1-related conditions. This variant is not present in population databases (gnomAD no frequency). This sequence change replaces proline, which is neutral and non-polar, with leucine, which is neutral and non-polar, at codon 44 of the ORAI1 protein (p.Pro44Leu). In summary, the available evidence is currently insufficient to determine the role of this variant in disease. Therefore, it has been classified as a Variant of Uncertain Significance. Experimental studies and prediction algorithms are not available or were not evaluated, and the functional significance of this variant is currently unknown.